The following is an entry in ClinVar:

NM_015978.3(TNNI3K):c.1560C>A (p.Cys520Ter)

Genes: FPGT-TNNI3K (FPGT-TNNI3K readthrough; plus strand), TNNI3K (TNNI3 interacting kinase; plus strand). Cytogenetic location: 1p31.1.
Variant type: single nucleotide variant.
Coding change: c.1560C>A on transcript NM_015978.3 (MANE Select); coding-DNA position 1560, C replaced by A.
Protein change: p.Cys520Ter; replaces cysteine 520 with a stop codon.
Molecular consequence: nonsense.
Genome position (GRCh38, 1-based): chr1:74,369,478, C>A. VCF-style: chr1-74369478-C-A. GRCh37 (hg19) VCF-style: chr1-74835162-C-A.
Other names: c.1863C>A, p.Cys621Ter (NM_001112808.3, NM_001199327.2); short protein forms C520*, C621*.
Identifiers: ClinVar variation 1943701 (VCV001943701.2), dbSNP rs377503218, ClinGen allele CA340786239.

ClinVar aggregate classification (germline): Uncertain significance (1 of 4 stars; one submission).

Submission:

Labcorp Genetics (formerly Invitae), Labcorp
Classification: Uncertain significance. Last evaluated: 2021-04-13. Review status: criteria provided, single submitter. Criteria: Invitae Variant Classification Sherloc (09022015). Collection method: clinical testing. Allele origin: germline.
Comment: This sequence change creates a premature translational stop signal (p.Cys520*) in the TNNI3K gene. It is expected to result in an absent or disrupted protein product. However, the current clinical and genetic evidence is not sufficient to establish whether loss-of-function variants in TNNI3K cause disease. This variant is not present in population databases (ExAC no frequency). This variant has not been reported in the literature in individuals with TNNI3K-related conditions. In summary, the available evidence is currently insufficient to determine the role of this variant in disease. Therefore, it has been classified as a Variant of Uncertain Significance.